The following is an entry in ClinVar:

NM_017654.4(SAMD9):c.869T>G (p.Val290Gly)

Gene: SAMD9 (sterile alpha motif domain containing 9; minus strand). Cytogenetic location: 7q21.2.
Variant type: single nucleotide variant.
Coding change: c.869T>G on transcript NM_017654.4 (MANE Select); coding-DNA position 869, T replaced by G.
Protein change: p.Val290Gly; replaces valine 290 with glycine.
Molecular consequence: missense variant.
Genome position (GRCh38, 1-based): chr7:93,105,229, A>C on the plus strand (T>G on the coding strand, the complement: SAMD9 is on the minus strand). VCF-style: chr7-93105229-A-C. GRCh37 (hg19) VCF-style: chr7-92734542-A-C.
Other names: c.869T>G, p.Val290Gly (NM_001193307.2); short protein forms V290G.
Identifiers: ClinVar variation 4824669 (VCV004824669.1).

ClinVar aggregate classification (germline): Uncertain significance (1 of 4 stars; one submission).

Conditions:
Inborn genetic diseases. Identifiers: MedGen C0950123, MeSH D030342.

Submission:

Ambry Genetics
Classification: Uncertain significance for Inborn genetic diseases. Last evaluated: 2026-01-15. Review status: criteria provided, single submitter. Criteria: Ambry Variant Classification Scheme 2023. Collection method: clinical testing. Allele origin: germline.
Comment: The p.V290G variant (also known as c.869T>G), located in coding exon 1 of the SAMD9 gene, results from a T to G substitution at nucleotide position 869. The valine at codon 290 is replaced by glycine, an amino acid with dissimilar properties. This amino acid position is conserved. In addition, the in silico prediction for this alteration is inconclusive. Based on the available evidence, the clinical significance of this variant remains unclear.